The following is an entry in ClinVar:

ClinVar aggregate classification (germline): Uncertain significance (1 of 4 stars; one submission).

Allele frequency attached by ClinVar (database versions not stated): TOPMed below 0.00001.
gnomAD v4.1: 3 of 1,608,942 alleles (0.00019%); highest among the groups gnomAD compares: Non-Finnish European, 0.00025%; no homozygotes.

Submission:

Women's Health and Genetics/Laboratory Corporation of America, LabCorp
Classification: Uncertain significance. Last evaluated: 2024-02-04. Review status: criteria provided, single submitter. Criteria: LabCorp Variant Classification Summary - May 2015. Collection method: clinical testing. Allele origin: germline.
Comment: Variant summary: COLEC11 c.131-3C>T alters a conserved nucleotide located close to a canonical splice site and therefore could affect mRNA splicing, leading to a significantly altered protein sequence. Consensus agreement among computation tools predict no significant impact on normal splicing. However, these predictions have yet to be confirmed by functional studies. The variant allele was found at a frequency of 1.9e-06 in 1608942 control chromosomes. The available data on variant occurrences in the general population are insufficient to allow any conclusion about variant significance. To our knowledge, no occurrence of c.131-3C>T in individuals affected with 3MC Syndrome 2 and no experimental evidence demonstrating its impact on protein function have been reported. No submitters have cited clinical-significance assessments for this variant to ClinVar. Based on the evidence outlined above, the variant was classified as uncertain significance.

NM_024027.5(COLEC11):c.131-3C>T

Gene: COLEC11 (collectin subfamily member 11; plus strand). Cytogenetic location: 2p25.3.
Variant type: single nucleotide variant.
Coding change: c.131-3C>T on transcript NM_024027.5 (MANE Select); 3 bases into the intron before coding-DNA position 131, C replaced by T.
Molecular consequence: intron variant.
Genome position (GRCh38, 1-based): chr2:3,613,308, C>T. VCF-style: chr2-3613308-C-T. GRCh37 (hg19) VCF-style: chr2-3660898-C-T.
Other names: c.43-3C>T (NM_199235.3); c.131-3C>T (NM_001255983.2); c.130+8838C>T (NM_001255982.2, NM_001255984.2); c.173-3C>T (NM_001255985.1); c.53-3C>T (NM_001255986.1, NM_001255988.1); c.52+7065C>T (NM_001255987.1, NM_001255989.1).
Identifiers: ClinVar variation 3068765 (VCV003068765.2), dbSNP rs762314098, ClinGen allele CA41532074.